The following is an entry in ClinVar:

ClinVar aggregate classification (germline): Likely benign. Review status: criteria provided, single submitter (1 of 4 stars). 2 submissions from 2 submitters: Likely benign (1). 1 of the submissions does not count toward it. Last evaluated 2025-11-11.

Conditions:
GSR-related disorder. Also called: GSR-related condition.

Allele frequency attached by ClinVar (database versions not stated): gnomAD 0.00001; gnomAD exomes 0.00026.
gnomAD v4.1: 116 of 592,264 alleles (0.02%); highest among the groups gnomAD compares: African/African-American, 0.2%; no homozygotes.

Submissions (2):

Labcorp Genetics (formerly Invitae), Labcorp
Classification: Likely benign. Last evaluated: 2025-11-11. Review status: criteria provided, single submitter. Criteria: Invitae Variant Classification Sherloc (09022015). Collection method: clinical testing. Allele origin: germline.

PreventionGenetics, part of Exact Sciences
Classification: Benign for GSR-related condition. Last evaluated: 2019-12-06. Review status: no assertion criteria provided. Collection method: clinical testing. Allele origin: germline. Not counted in ClinVar's aggregate classification.
Comment: This variant is classified as benign based on ACMG/AMP sequence variant interpretation guidelines (Richards et al. 2015 PMID: 25741868, with internal and published modifications).

NM_000637.5(GSR):c.334-6T>A

Gene: GSR (glutathione-disulfide reductase; minus strand). Cytogenetic location: 8p12.
Variant type: single nucleotide variant.
Coding change: c.334-6T>A on transcript NM_000637.5 (MANE Select); 6 bases into the intron before coding-DNA position 334, T replaced by A.
Molecular consequence: intron variant.
Genome position (GRCh38, 1-based): chr8:30,709,908, A>T on the plus strand (T>A on the coding strand, the complement: GSR is on the minus strand). VCF-style: chr8-30709908-A-T. GRCh37 (hg19) VCF-style: chr8-30567425-A-T.
Other names: c.334-6T>A (NM_001195104.3, NM_001195102.3, NM_001195103.3 and 1 more transcripts).
Identifiers: ClinVar variation 2075182 (VCV002075182.6), dbSNP rs775171438, ClinGen allele CA4701555.